The following is an entry in ClinVar:

ClinVar aggregate classification (germline): Uncertain significance (1 of 4 stars; one submission).

Allele frequency attached by ClinVar (database versions not stated): gnomAD exomes below 0.00001; ExAC 0.00001.
gnomAD v4.1: 1 of 1,613,842 alleles (0.000062%); highest among the groups gnomAD compares: South Asian, 0.0011%; no homozygotes.

Submission:

GeneDx
Classification: Uncertain significance. Last evaluated: 2019-11-15. Review status: criteria provided, single submitter. Criteria: GeneDx Variant Classification Process June 2021. Collection method: clinical testing. Allele origin: germline. Affected: yes.
Comment: In silico analysis, which includes protein predictors and evolutionary conservation, supports a deleterious effect; Has not been previously published as pathogenic or benign to our knowledge

NM_001190274.2(FBXO11):c.1118T>A (p.Ile373Asn)

Gene: FBXO11 (F-box protein 11; minus strand). Cytogenetic location: 2p16.3.
Variant type: single nucleotide variant.
Coding change: c.1118T>A on transcript NM_001190274.2 (MANE Select); coding-DNA position 1118, T replaced by A.
Protein change: p.Ile373Asn; replaces isoleucine 373 with asparagine.
Molecular consequence: missense variant.
Genome position (GRCh38, 1-based): chr2:47,832,804, A>T on the plus strand (T>A on the coding strand, the complement: FBXO11 is on the minus strand). VCF-style: chr2-47832804-A-T. GRCh37 (hg19) VCF-style: chr2-48059943-A-T.
Other names: c.866T>A, p.Ile289Asn (NM_001374325.1, NM_025133.4); short protein forms I289N, I373N.
Identifiers: ClinVar variation 1304693 (VCV001304693.2), dbSNP rs766012117, ClinGen allele CA1649938.